The following is an entry in ClinVar:

NC_012920.1(MT-ND5):m.13768T>C

Gene: MT-ND5 (mitochondrially encoded NADH dehydrogenase 5; plus strand).
Variant type: single nucleotide variant.
Genome position: chrM-13768-T-C.
Identifiers: ClinVar variation 693606 (VCV000693606.1), dbSNP rs1556424325, ClinGen allele CA414819432.

ClinVar aggregate classification (germline): Benign (1 of 4 stars; one submission).

Conditions:
Leigh syndrome (NULS). Also called: Leigh's necrotizing encephalopathy; Leigh's disease; Leigh's syndrome; LEIGH SYNDROME, NUCLEAR; Leigh Syndrome (mtDNA deletion); Leigh Disease. Identifiers: Orphanet 506, MedGen C2931891, MONDO:0009723, OMIM 256000.

Submission:

Wong Mito Lab, Molecular and Human Genetics, Baylor College of Medicine
Classification: Benign for Leigh syndrome. Last evaluated: 2019-10-17. Review status: criteria provided, single submitter. Criteria: Modified ACMG Guidelines (Unpublished). Collection method: clinical testing. Allele origin: germline.
Comment: The NC_012920.1:m.13768T>C (YP_003024036.1:p.Phe478Leu) variant in MTND5 gene is interpretated to be a Benign variant based on the modified ACMG guidelines (unpublished). This variant meets the following evidence codes: BS1, BS2, BP4